The following is an entry in ClinVar:

ClinVar aggregate classification (germline): Uncertain significance. Review status: criteria provided, multiple submitters, no conflicts (2 of 4 stars). 2 submissions from 2 submitters: Uncertain significance (2). Last evaluated 2024-02-27.

Conditions:
Congenital fibrosis of extraocular muscles. Also called: Congenital Fibrosis of the Extraocular Muscles. Identifiers: Orphanet 45358, MedGen C1302995, MONDO:0007614, HP:0001491.

Allele frequency attached by ClinVar (database versions not stated): gnomAD exomes 0.00001; gnomAD 0.00002; TOPMed 0.00002.
gnomAD v4.1: 12 of 1,612,116 alleles (0.00074%); highest among the groups gnomAD compares: Non-Finnish European, 0.001%; no homozygotes.

Submissions (2):

Broad Center for Mendelian Genomics, Broad Institute of MIT and Harvard
Classification: Uncertain significance for Congenital fibrosis of extraocular muscles. Last evaluated: 2024-02-27. Review status: criteria provided, single submitter. Criteria: ACMG Guidelines, 2015. Collection method: curation. Allele origin: germline. Inheritance: Autosomal dominant inheritance.
Comment: The heterozygous p.Glu8Val variant in NES was identified in 2 family members with isolated familial congenital fibrosis of extraocular muscles (CFEOM) via a collaborative study between the Broad Institute's Center for Mendelian Genomics and the Engle lab. While this gene is still lacking sufficient evidence to establish a gene-disease association, we believe this is a possible novel gene candidate for CFEOM. Given the limited information about this gene-disease relationship, the significance of the p.Glu8Val variant is uncertain. If you have any additional information about functional evidence or other individuals with this phenotype that also have variants in NES we encourage you to reach out to the Engle Lab.

Ambry Genetics
Classification: Uncertain significance. Last evaluated: 2021-09-17. Review status: criteria provided, single submitter. Criteria: Ambry Variant Classification Scheme 2023. Collection method: clinical testing. Allele origin: germline.

NM_006617.2(NES):c.23A>T (p.Glu8Val)

Gene: NES (nestin; minus strand). Cytogenetic location: 1q23.1.
Variant type: single nucleotide variant.
Coding change: c.23A>T on transcript NM_006617.2 (MANE Select); coding-DNA position 23, A replaced by T.
Protein change: p.Glu8Val; replaces glutamic acid 8 with valine.
Molecular consequence: missense variant.
Genome position (GRCh38, 1-based): chr1:156,677,242, T>A on the plus strand (A>T on the coding strand, the complement: NES is on the minus strand). VCF-style: chr1-156677242-T-A. GRCh37 (hg19) VCF-style: chr1-156647034-T-A.
Other names: NM_006617.2(NES):c.23A>T; p.Glu8Val; short protein forms E8V.
Identifiers: ClinVar variation 2301221 (VCV002301221.3), dbSNP rs566053868, ClinGen allele CA31081384.